The following is an entry in ClinVar:

ClinVar aggregate classification (germline): Pathogenic/Likely pathogenic. Review status: criteria provided, multiple submitters, no conflicts (2 of 4 stars). 3 submissions from 3 submitters: Pathogenic (1); Likely pathogenic (1). 1 of the submissions does not count toward it. Last evaluated 2024-10-09.

Conditions:
Microcephaly-capillary malformation syndrome (MICCAP). Identifiers: Orphanet 294016, MedGen C3280296, MONDO:0013659, OMIM 614261.

Allele frequency attached by ClinVar (database versions not stated): gnomAD 0.00002 and 0.00003; gnomAD exomes 0.00002; TOPMed 0.00002; ExAC 0.00003.
gnomAD v4.1: 40 of 1,613,156 alleles (0.0025%); highest among the groups gnomAD compares: Non-Finnish European, 0.0033%; no homozygotes.

Submissions (4):

Victorian Clinical Genetics Services, Murdoch Childrens Research Institute
Classification: Pathogenic for Microcephaly-capillary malformation syndrome. Last evaluated: 2024-10-09. Review status: criteria provided, single submitter. Criteria: ACMG Guidelines, 2015. Collection method: clinical testing. Allele origin: germline. Inheritance: Autosomal recessive inheritance. Affected: yes.
Comment: Based on the classification scheme VCGS_Germline_v1.3.4, this variant is classified as Pathogenic. Following criteria are met: 0102 - Loss of function is a known mechanism of disease in this gene and is associated with microcephaly-capillary malformation syndrome (MIM#614261). (I) 0106 - This gene is associated with autosomal recessive disease. (I) 0212 - Non-canonical splice site variant without proven consequence on splicing (no functional evidence available). (SP) 0251 - This variant is heterozygous. (I) 0304 - Variant is present in gnomAD (v2) <0.01 for a recessive condition (4 heterozygotes, 0 homozygote). (SP) 0505 - Abnormal splicing is predicted by in silico tools and affected nucleotide is highly conserved. (SP) 0705 - No comparable splice site variants have previous evidence for pathogenicity. (I) 0803 - This variant has limited previous evidence of pathogenicity in unrelated individuals. This variant has been classified as likely pathogenic (ClinVar). This variant has also been observed in a compound heterozygous individual affected with microcephaly-capillary malformation syndrome in trans with p.(Arg38Cys) (PMID: 23542699). (SP) 0905 - No published segregation evidence has been identified for this variant. (I) 1007 - No published functional evidence has been identified for this variant. (I) 1201 - Heterozygous variant detected in trans with a second pathogenic heterozygous variant ( NM_213622.3:c.112C>T; p.(Arg38Cys)) in a recessive disease. (I) Legend: (SP) - Supporting pathogenic, (I) - Information, (SB) - Supporting benign

GeneDx
Classification: Likely pathogenic. Last evaluated: 2017-09-05. Review status: criteria provided, single submitter. Criteria: GeneDx Variant Classification (06012015). Collection method: clinical testing. Allele origin: germline. Affected: yes.
Comment: The c.279+5 G>T variant in the STAMBP gene has been reported previously in an individual with microcephaly-capillary malformation syndrome in the compound heterozygous state with another pathogenic variant in the STAMBP gene (McDonell et al., 2013). This variant reduces the quality of the splice donor site in intron 4, and is expected to cause abnormal gene splicing. The c.279+5 G>T variant is not observed at a significant frequency in large population cohorts (Lek et al., 2016; 1000 Genomes Consortium et al., 2015; Exome Variant Server). Based on review of the data in the context of the 2015 ACMG standards and guidelines for the interpretation of sequence variants (Richards et al., 2015), we now interpret c.279+5 G>T as a likely pathogenic variant.

OMIM
Classification: Pathogenic for MICROCEPHALY-CAPILLARY MALFORMATION SYNDROME. Last evaluated: 2013-05-01. Review status: no assertion criteria provided. Collection method: literature only. Allele origin: germline. Not counted in ClinVar's aggregate classification.

Dr. Peter K. Rogan Lab, Western University
No classification provided (evidence only). Condition: Ovarian serous cystadenocarcinoma. Review status: no classification provided. Collection method: in vitro. Allele origin: not applicable. Functional consequence: retained intron. Not counted in ClinVar's aggregate classification.

Literature cited by the submitters: PubMed 23542699 (cited by Victorian Clinical Genetics Services, Murdoch Childrens Research Institute and OMIM); PubMed 35723786 (cited by Victorian Clinical Genetics Services, Murdoch Childrens Research Institute).

NM_213622.4(STAMBP):c.279+5G>T

Gene: STAMBP (STAM binding protein; plus strand). Cytogenetic location: 2p13.1.
Variant type: single nucleotide variant.
Coding change: c.279+5G>T on transcript NM_213622.4 (MANE Select); 5 bases into the intron after coding-DNA position 279, G replaced by T.
Molecular consequence: intron variant. On other transcripts: 5 prime UTR variant (5).
Genome position (GRCh38, 1-based): chr2:73,844,893, G>T. VCF-style: chr2-73844893-G-T. GRCh37 (hg19) VCF-style: chr2-74072020-G-T.
Other names: NC_000002.11:g.74072020G>T; IVS4DS, G-T, +5; c.-270G>T (NM_001353971.2, NM_001353973.2, NM_001353974.2 and 2 more transcripts); c.279+5G>T (NM_001353970.2, NM_006463.6, NM_001353968.2 and 4 more transcripts); c.-127+5G>T (NM_001353972.2).
Identifiers: ClinVar variation 50794 (VCV000050794.4), dbSNP rs397509389, ClinGen allele CA263229.